The following is an entry in ClinVar:

ClinVar aggregate classification (germline): Likely pathogenic (1 of 4 stars; one submission).

Conditions:
Retinitis pigmentosa 25 (RP25). Identifiers: Orphanet 791, MedGen C1864446, MONDO:0011272, OMIM 602772.

Submission:

Myriad Genetics, Inc.
Classification: Likely pathogenic for Retinitis pigmentosa 25. Last evaluated: 2025-08-01. Review status: criteria provided, single submitter. Criteria: Myriad Autosomal Dominant, Autosomal Recessive and X-Linked Classification Criteria (2023). Collection method: clinical testing. Allele origin: unknown.
Comment: NM_001142800.1(EYS):c.1300-3_1300-1delCAGinsTAT is a variant in a canonical splice site classified as likely pathogenic in the context of retinitis pigmentosa, EYS-related. c.1300-3_1300-1delCAGinsTAT has not been observed in cases with relevant disease. Relevant functional assessments of this variant are not available in the literature. c.1300-3_1300-1delCAGinsTAT has not been observed in referenced population frequency databases. In summary, NM_001142800.1(EYS):c.1300-3_1300-1delCAGinsTAT is a variant in a canonical splice site in a gene where loss of function is a known mechanism of disease and is predicted to disrupt protein function. Please note: this variant was assessed in the context of healthy population screening.

NM_001142800.2(EYS):c.1300-3_1300-1delinsTAT

Gene: EYS (EGF-like photoreceptor maintenance factor; minus strand). Cytogenetic location: 6q12.
Variant type: Indel.
Coding change: c.1300-3_1300-1delinsTAT on transcript NM_001142800.2 (MANE Select); 3 bases into the intron before coding-DNA position 1300 through the canonical splice acceptor site of the intron before coding-DNA position 1300, CAG replaced by TAT.
Molecular consequence: splice acceptor variant.
Genome position (GRCh38, 1-based): chr6:65,353,618-65,353,620, CTG replaced by ATA on the plus strand (CAG replaced by TAT on the coding strand, the reverse complement: EYS is on the minus strand). VCF-style: chr6-65353618-CTG-ATA. GRCh37 (hg19) VCF-style: chr6-66063511-CTG-ATA.
Other names: c.1300-3_1300-1delinsTAT (NM_001292009.2, NM_001142801.2, NM_198283.2).
Identifiers: ClinVar variation 5004096 (VCV005004096.1).